The following is an entry in ClinVar:

NM_002734.5(PRKAR1A):c.893G>A (p.Gly298Glu)

Gene: PRKAR1A (protein kinase cAMP-dependent type I regulatory subunit alpha; plus strand). Cytogenetic location: 17q24.2.
Variant type: single nucleotide variant.
Coding change: c.893G>A on transcript NM_002734.5 (MANE Select); coding-DNA position 893, G replaced by A.
Protein change: p.Gly298Glu; replaces glycine 298 with glutamic acid.
Molecular consequence: missense variant.
Genome position (GRCh38, 1-based): chr17:68,529,921, G>A. VCF-style: chr17-68529921-G-A. GRCh37 (hg19) VCF-style: chr17-66526062-G-A.
Other names: c.893G>A, p.Gly298Glu (NM_001276289.2, NM_001276290.1, NM_001278433.2 and 4 more transcripts); short protein forms G298E.
Identifiers: ClinVar variation 3938089 (VCV003938089.1).

ClinVar aggregate classification (germline): Uncertain significance (1 of 4 stars; one submission).

Conditions:
Hereditary cancer-predisposing syndrome. Also called: Tumor predisposition; Hereditary neoplastic syndrome; Hereditary Cancer Syndrome; Neoplastic Syndromes, Hereditary. Identifiers: Orphanet 140162, MedGen C0027672, MeSH D009386, MONDO:0015356.

Submission:

Ambry Genetics
Classification: Uncertain significance for Hereditary cancer-predisposing syndrome. Last evaluated: 2025-04-01. Review status: criteria provided, single submitter. Criteria: Ambry Variant Classification Scheme 2023. Collection method: clinical testing. Allele origin: germline.
Comment: The p.G298E variant (also known as c.893G>A), located in coding exon 9 of the PRKAR1A gene, results from a G to A substitution at nucleotide position 893. The glycine at codon 298 is replaced by glutamic acid, an amino acid with similar properties. This amino acid position is conserved. In addition, this alteration is predicted to be deleterious by in silico analysis. Based on the available evidence, the clinical significance of this variant remains unclear.